The following is an entry in ClinVar:

NM_001851.6(COL9A1):c.584T>C (p.Phe195Ser)

Gene: COL9A1 (collagen type IX alpha 1 chain; minus strand). Cytogenetic location: 6q13.
Variant type: single nucleotide variant.
Coding change: c.584T>C on transcript NM_001851.6 (MANE Select); coding-DNA position 584, T replaced by C.
Protein change: p.Phe195Ser; replaces phenylalanine 195 with serine.
Molecular consequence: missense variant.
Genome position (GRCh38, 1-based): chr6:70,294,279, A>G on the plus strand (T>C on the coding strand, the complement: COL9A1 is on the minus strand). VCF-style: chr6-70294279-A-G. GRCh37 (hg19) VCF-style: chr6-71003982-A-G.
Other names: c.584T>C, p.Phe195Ser (NM_001377291.1); short protein forms F195S.
Identifiers: ClinVar variation 1400730 (VCV001400730.5), dbSNP rs776065464, ClinGen allele CA3882775.

ClinVar aggregate classification (germline): Uncertain significance (1 of 4 stars; one submission).

Allele frequency attached by ClinVar (database versions not stated): gnomAD exomes below 0.00001 and 0.00001; ExAC 0.00001; TOPMed 0.00003; gnomAD 0.00004 and 0.00006.
gnomAD v4.1: 11 of 1,613,984 alleles (0.00068%); highest among the groups gnomAD compares: African/African-American, 0.013%; no homozygotes.

Submission:

Labcorp Genetics (formerly Invitae), Labcorp
Classification: Uncertain significance. Last evaluated: 2022-08-20. Review status: criteria provided, single submitter. Criteria: Invitae Variant Classification Sherloc (09022015). Collection method: clinical testing. Allele origin: germline.
Comment: This sequence change replaces phenylalanine, which is neutral and non-polar, with serine, which is neutral and polar, at codon 195 of the COL9A1 protein (p.Phe195Ser). This variant is present in population databases (rs776065464, gnomAD 0.01%). This variant has not been reported in the literature in individuals affected with COL9A1-related conditions. ClinVar contains an entry for this variant (Variation ID: 1400730). Advanced modeling of protein sequence and biophysical properties (such as structural, functional, and spatial information, amino acid conservation, physicochemical variation, residue mobility, and thermodynamic stability) performed at Invitae indicates that this missense variant is not expected to disrupt COL9A1 protein function. In summary, the available evidence is currently insufficient to determine the role of this variant in disease. Therefore, it has been classified as a Variant of Uncertain Significance.